The following is an entry in ClinVar:

ClinVar aggregate classification (germline): Uncertain significance (1 of 4 stars; one submission).

Conditions:
Epidermolysis bullosa simplex 3, localized or generalized intermediate, with BP230 deficiency (EBS3). Also called: Epidermolysis bullosa simplex, autosomal recessive 2; Epidermolysis bullosa simplex due to BP230 deficiency. Identifiers: Orphanet 412181, MedGen C3809470, MONDO:0014180, OMIM 615425.
Hereditary sensory and autonomic neuropathy type 6. Also called: HSAN VI; Neuropathy, hereditary sensory and autonomic, type VI. Identifiers: Orphanet 314381, MedGen C3539003, MONDO:0013839, OMIM 614653.

Allele frequency attached by ClinVar (database versions not stated): gnomAD exomes below 0.00001.
gnomAD v4.1: 2 of 1,612,402 alleles (0.00012%); highest among the groups gnomAD compares: Non-Finnish European, 0.00017%; no homozygotes.

Submission:

Labcorp Genetics (formerly Invitae), Labcorp
Classification: Uncertain significance for Epidermolysis bullosa simplex 3, localized or generalized intermediate, with BP230 deficiency; Hereditary sensory and autonomic neuropathy type 6. Last evaluated: 2022-06-16. Review status: criteria provided, single submitter. Criteria: Invitae Variant Classification Sherloc (09022015). Collection method: clinical testing. Allele origin: germline.
Comment: In summary, the available evidence is currently insufficient to determine the role of this variant in disease. Therefore, it has been classified as a Variant of Uncertain Significance. Experimental studies and prediction algorithms are not available or were not evaluated, and the functional significance of this variant is currently unknown. This variant has not been reported in the literature in individuals affected with DST-related conditions. This variant is present in population databases (no rsID available, gnomAD 0.002%). The DST gene has multiple clinically relevant transcripts. This variant occurs in alternate transcript NM_015548.4, and corresponds to NM_001723.5:c.*145327G>A in the primary transcript.

NM_001374736.1(DST):c.22414G>A (p.Ala7472Thr)

Gene: DST (dystonin; minus strand). Cytogenetic location: 6p12.1.
Variant type: single nucleotide variant.
Coding change: c.22414G>A on transcript NM_001374736.1 (MANE Select); coding-DNA position 22414, G replaced by A.
Protein change: p.Ala7472Thr; replaces alanine 7472 with threonine.
Molecular consequence: missense variant.
Genome position (GRCh38, 1-based): chr6:56,470,190, C>T on the plus strand (G>A on the coding strand, the complement: DST is on the minus strand). VCF-style: chr6-56470190-C-T. GRCh37 (hg19) VCF-style: chr6-56334988-C-T.
Other names: c.16057G>A, p.Ala5353Thr (NM_001144769.5); c.15643G>A, p.Ala5215Thr (NM_001144770.2); c.22414G>A, p.Ala7472Thr (NM_001374722.1); c.21454G>A, p.Ala7152Thr (NM_001374729.1); c.15196G>A, p.Ala5066Thr (NM_001374730.1); c.22441G>A, p.Ala7481Thr (NM_001374734.1); c.15523G>A, p.Ala5175Thr (NM_001386100.1, NM_183380.4); c.14545G>A, p.Ala4849Thr (NM_015548.5); short protein forms A4849T, A5066T, A5175T, A7472T, A7481T, A5215T, A5353T, A7152T.
Identifiers: ClinVar variation 2007506 (VCV002007506.4), dbSNP rs1473236604, ClinGen allele CA364506960.